The following is an entry in ClinVar:

NM_002016.2(FLG):c.1776del (p.Ser593fs)

Genes: FLG (filaggrin; minus strand), CCDST (cervical cancer associated DHX9 suppressive transcript; plus strand). Cytogenetic location: 1q21.3.
Variant type: Deletion.
Coding change: c.1776del on transcript NM_002016.2 (MANE Select); coding-DNA position 1776, one base deleted (C; older notation c.1776delC).
Protein change: p.Ser593fs; shifts the reading frame from serine 593.
Molecular consequence: frameshift variant.
Genome position (GRCh38, 1-based): chr1:152,313,110, G deleted on the plus strand (C on the coding strand, the reverse complement: FLG is on the minus strand); the first of 2 consecutive G bases (chr1:152,313,110-152,313,111); deleting either gives the same sequence. VCF-style (leftmost placement, unchanged base first): chr1-152313109-AG-A. GRCh37 (hg19) VCF-style: chr1-152285585-AG-A.
Other names: p.Ser586fs; c.1775del (NM_002016.2); short protein forms S593fs.
Identifiers: ClinVar variation 3900622 (VCV003900622.1).
Genomic context (GRCh38, chr1:152,313,109, plus strand): 5'-TCCTGGGCCCCGATGATTGTCCCTGGCCCACCTGTGAGTGTCTAGAGCTGTCAGCCTGAG[AG>A]GAAGCTTCATGATGACGTGACCCTGAGTGCCTGGTGCCGTCTCCTGATTGTTCCTCATTT-3'

ClinVar aggregate classification (germline): Pathogenic (1 of 4 stars; one submission).

Conditions:
Ichthyosis vulgaris. Also called: ICHTHYOSIS SIMPLEX; Dominant ichthyosis vulgaris. Identifiers: MedGen C0079584, MONDO:0024304, OMIM 146700.

Submission:

Medical Genetics Clinic, University of Catania
Classification: Pathogenic for Ichthyosis vulgaris. Last evaluated: 2025-05-12. Review status: criteria provided, single submitter. Criteria: ACMG Guidelines, 2015. Collection method: clinical testing. Allele origin: unknown. Inheritance: Autosomal dominant inheritance. Affected: yes. Observed: 2 heterozygotes. Clinical features observed: HPO: 0008064: Ichthyosis.
Comment: The c.1755del (rs953566484) variant in the FLG gene at the protein level causes a shift in the reading frame (p.Ser586fs). This frameshift variant is not present in the general population allele frequency database (gnomAD). It is reported in scientific literature (PMID: 36964972) and it can be classified as a pathogenic variant.

Literature cited by the submitters: PubMed 36964972.